The following is an entry in ClinVar:

NC_000013.10:g.(?_48916725)_(48922009_?)del

Gene: RB1 (RB transcriptional corepressor 1; plus strand). Cytogenetic location: 13q14.2.
Variant type: Deletion.
Identifiers: ClinVar variation 2422880 (VCV002422880.3).

ClinVar aggregate classification (germline): Pathogenic (1 of 4 stars; one submission).

Conditions:
Retinoblastoma (RB1). Also called: RETINOBLASTOMA, SOMATIC. Identifiers: Orphanet 790, MedGen C0035335, MeSH D012175, MONDO:0008380, OMIM 180200, HP:0009919. Disease mechanism: loss of function. Inheritance: Both sporadic and heritable forms are tested..

Submission:

Labcorp Genetics (formerly Invitae), Labcorp
Classification: Pathogenic for Retinoblastoma. Last evaluated: 2022-02-19. Review status: criteria provided, single submitter. Criteria: Invitae Variant Classification Sherloc (09022015). Collection method: clinical testing. Allele origin: germline.
Comment: For these reasons, this variant has been classified as Pathogenic. This variant has not been reported in the literature in individuals affected with RB1-related conditions. This variant is a gross deletion of the genomic region encompassing exon(s) 3-5 of the RB1 gene. This deletion is out-of-frame, and is expected to create a premature termination codon and result in an absent or disrupted protein product. Loss-of-function variants in RB1 are known to be pathogenic (PMID: 17096365).

Literature cited by the submitters: PubMed 17096365.